The following is an entry in ClinVar:

ClinVar aggregate classification (germline): Uncertain significance (1 of 4 stars; one submission).

Conditions:
Charcot-Marie-Tooth disease axonal type 2O. Also called: Charcot-Marie-Tooth disease, axonal, type 20; CHARCOT-MARIE-TOOTH NEUROPATHY, AXONAL, TYPE 2O; CHARCOT-MARIE-TOOTH DISEASE, AXONAL, AUTOSOMAL DOMINANT, TYPE 2O; Charcot-Marie-Tooth Neuropathy Type 2O. Identifiers: Orphanet 284232, MedGen C3280220, MONDO:0013644, OMIM 614228.

Allele frequency attached by ClinVar (database versions not stated): gnomAD exomes below 0.00001; TOPMed below 0.00001.
gnomAD v4.1: 1 of 1,614,188 alleles (0.000062%); highest among the groups gnomAD compares: Non-Finnish European, 0.000085%; no homozygotes.

Submission:

Labcorp Genetics (formerly Invitae), Labcorp
Classification: Uncertain significance for Charcot-Marie-Tooth disease axonal type 2O. Last evaluated: 2022-09-13. Review status: criteria provided, single submitter. Criteria: Invitae Variant Classification Sherloc (09022015). Collection method: clinical testing. Allele origin: germline.
Comment: This sequence change replaces threonine, which is neutral and polar, with alanine, which is neutral and non-polar, at codon 3895 of the DYNC1H1 protein (p.Thr3895Ala). This variant is not present in population databases (gnomAD no frequency). In summary, the available evidence is currently insufficient to determine the role of this variant in disease. Therefore, it has been classified as a Variant of Uncertain Significance. Advanced modeling of protein sequence and biophysical properties (such as structural, functional, and spatial information, amino acid conservation, physicochemical variation, residue mobility, and thermodynamic stability) performed at Invitae indicates that this missense variant is not expected to disrupt DYNC1H1 protein function. ClinVar contains an entry for this variant (Variation ID: 1355524). This variant has not been reported in the literature in individuals affected with DYNC1H1-related conditions.

NM_001376.5(DYNC1H1):c.11683A>G (p.Thr3895Ala)

Gene: DYNC1H1 (dynein cytoplasmic 1 heavy chain 1; plus strand). Cytogenetic location: 14q32.31.
Variant type: single nucleotide variant.
Coding change: c.11683A>G on transcript NM_001376.5 (MANE Select); coding-DNA position 11683, A replaced by G.
Protein change: p.Thr3895Ala; replaces threonine 3895 with alanine.
Molecular consequence: missense variant.
Genome position (GRCh38, 1-based): chr14:102,039,725, A>G. VCF-style: chr14-102039725-A-G. GRCh37 (hg19) VCF-style: chr14-102506062-A-G.
Other names: short protein forms T3895A.
Identifiers: ClinVar variation 1355524 (VCV001355524.6), dbSNP rs1326124955, ClinGen allele CA391035285.
Genomic context (GRCh38, chr14:102,039,725, plus strand): 5'-ATGCTGCATCAGGACCACATTACCTTTGCCATGCTGCTGGCAAGAATCAAACTGAAGGGC[A>G]CCGTGGGGTAAGAGCACTCACGCCCACAGGAGGATGCCATATTGCTGGTGGCCCCCAAGG-3'
Protein context (NP_001367.2, residues 3885-3905): MLLARIKLKG[Thr3895Ala]VGEPTYDAEF